The following is an entry in ClinVar:

NM_000540.3(RYR1):c.11748T>G (p.Ile3916Met)

Gene: RYR1 (ryanodine receptor 1; plus strand). Cytogenetic location: 19q13.2.
Variant type: single nucleotide variant.
Coding change: c.11748T>G on transcript NM_000540.3 (MANE Select); coding-DNA position 11748, T replaced by G.
Protein change: p.Ile3916Met; replaces isoleucine 3916 with methionine.
Molecular consequence: missense variant.
Genome position (GRCh38, 1-based): chr19:38,543,405, T>G. VCF-style: chr19-38543405-T-G. GRCh37 (hg19) VCF-style: chr19-39034045-T-G.
Other names: c.11748T>G (NM_000540.2); c.11733T>G, p.Ile3911Met (NM_001042723.2); short protein forms I3916M, I3911M.
Identifiers: ClinVar variation 133018 (VCV000133018.4), dbSNP rs193922840, ClinGen allele CA023930.

ClinVar aggregate classification (germline): Uncertain significance. Review status: reviewed by expert panel (3 of 4 stars). 2 submissions from 2 submitters: Uncertain significance (1). 1 of the submissions does not count toward it. Last evaluated 2025-08-01.

Conditions:
Malignant hyperthermia, susceptibility to, 1 (MHS1). Also called: RYR1-Related Malignant Hyperthermia Susceptibility; Malignant hyperthermia suceptibility 1; Anesthesia related hyperthermia; Malignant hyperpyrexia; Fulminating hyperpyrexia; Pharmacogenic myopathy. Identifiers: Orphanet 423, MedGen C2930980, MONDO:0007783, OMIM 145600.

Allele frequency attached by ClinVar (database versions not stated): gnomAD exomes below 0.00001.
gnomAD v4.1: 1 of 1,614,230 alleles (0.000062%); highest among the groups gnomAD compares: Non-Finnish European, 0.000085%; no homozygotes.

Submissions (2):

ClinGen Malignant Hyperthermia Susceptibility Variant Curation Expert Panel, ClinGen
Classification: Uncertain significance for Malignant hyperthermia, susceptibility to, 1. Last evaluated: 2025-08-01. Review status: reviewed by expert panel. Criteria: ClinGen MHS ACMG Specifications V2. Collection method: curation. Allele origin: germline. Inheritance: Autosomal dominant inheritance.
Comment: This pathogenicity assessment is relevant only for malignant hyperthermia susceptibility (MHS) inherited in an autosomal dominant pattern. Variants in RYR1 can also cause other myopathies inherited in an autosomal dominant pattern or in an autosomal recessive pattern. Some of these disorders may predispose individuals to malignant hyperthermia. RYR1 variants may also contribute to a malignant hyperthermia reaction in combination with other genetic and non-genetic factors and the clinician needs to consider such factors in making management decisions. This sequence variant predicts a substitution of isoleucine with methionine at codon 3916 of the RYR1 protein, p.(Ile3916Met). This variant was not present in a large population database (gnomAD) at the time this variant was interpreted. This variant has been reported in an individual with a personal or family history of an MH episode and a positive in vitro contracture test (IVCT) or caffeine halothane contracture test (CHCT) result (if the proband was unavailable for testing, a positive diagnostic test result in a mutation-positive relative was counted), however, a second variant classified as pathogenic was identified in trans in this individual, PS4 was not implemented (PMID:16163667). No functional studies were identified for this variant. This variant does not reside in a hotspot for pathogenic variants that contribute to MHS. A REVEL score of 0.765 supports neither a pathogenic nor a benign status for this variant. This variant has been classified as a Variant of Unknown Significance. No criteria were implemented.

RYR1 database
No classification provided. Review status: no classification provided. Collection method: not provided. Allele origin: unknown. Not counted in ClinVar's aggregate classification.